The following is an entry in ClinVar:

ClinVar aggregate classification (germline): Conflicting classifications of pathogenicity. Review status: criteria provided, conflicting classifications (1 of 4 stars). 5 submissions from 4 submitters: Uncertain significance (2); Likely benign (3). Last evaluated 2025-09-23.

Conditions:
Hypertrophic cardiomyopathy 4. Also called: Familial hypertrophic cardiomyopathy 4. Identifiers: MedGen C1861862, MONDO:0007268, OMIM 115197.
Left ventricular noncompaction 10 (LVNC10). Identifiers: Orphanet 154, Orphanet 54260, MedGen C3715165, MONDO:0014163, OMIM 615396.
Cardiomyopathy (CMYO). Also called: Cardiomyopathies. Identifiers: Orphanet 167848, MedGen C0878544, MONDO:0004994, HP:0001638. Inheritance: Various modes of inheritance.
Hypertrophic cardiomyopathy. Also called: HYPERTROPHIC MYOCARDIOPATHY. Identifiers: Orphanet 217569, MedGen C0007194, MeSH D002312, MONDO:0005045, HP:0001639.

Allele frequency attached by ClinVar (database versions not stated): ExAC 0.00002; gnomAD exomes 0.00001; TOPMed 0.00002.
gnomAD v4.1: 25 of 1,610,140 alleles (0.0016%); highest among the groups gnomAD compares: Non-Finnish European, 0.002%; no homozygotes.

Submissions (5):

Labcorp Genetics (formerly Invitae), Labcorp
Classification: Likely benign for Hypertrophic cardiomyopathy. Last evaluated: 2025-09-23. Review status: criteria provided, single submitter. Criteria: Invitae Variant Classification Sherloc (09022015). Collection method: clinical testing. Allele origin: germline.

All of Us Research Program, National Institutes of Health
Classification: Likely benign for Hypertrophic cardiomyopathy. Last evaluated: 2023-12-01. Review status: criteria provided, single submitter. Criteria: ACMG Guidelines, 2015. Collection method: clinical testing. Allele origin: germline. Inheritance: Autosomal dominant inheritance. Observed: 6 variant alleles, 6 heterozygotes.
Comment: This study involves interpretation of variants in research participants for the purpose of population health screening. Participant phenotype was not available at the time of variant classification. Additional details can be found in publication PMID: 35346344, PMCID: PMC8962531

Color Diagnostics, LLC DBA Color Health
Classification: Likely benign for Cardiomyopathy. Last evaluated: 2022-01-21. Review status: criteria provided, single submitter. Criteria: ACMG Guidelines, 2015. Collection method: clinical testing. Allele origin: germline.

Illumina Laboratory Services, Illumina
Classification: Uncertain significance for Hypertrophic cardiomyopathy 4. Last evaluated: 2018-01-12. Review status: criteria provided, single submitter. Criteria: ICSL Variant Classification Criteria 13 December 2019. Collection method: clinical testing. Allele origin: germline.

Illumina Laboratory Services, Illumina
Classification: Uncertain significance for Left ventricular noncompaction 10. Last evaluated: 2018-01-12. Review status: criteria provided, single submitter. Criteria: ICSL Variant Classification Criteria 13 December 2019. Collection method: clinical testing. Allele origin: germline.

NM_000256.3(MYBPC3):c.3815-12C>T

Gene: MYBPC3 (myosin binding protein C3; minus strand). Cytogenetic location: 11p11.2.
Variant type: single nucleotide variant.
Coding change: c.3815-12C>T on transcript NM_000256.3 (MANE Select); 12 bases into the intron before coding-DNA position 3815, C replaced by T.
Molecular consequence: intron variant.
Genome position (GRCh38, 1-based): chr11:47,331,893, G>A on the plus strand (C>T on the coding strand, the complement: MYBPC3 is on the minus strand). VCF-style: chr11-47331893-G-A. GRCh37 (hg19) VCF-style: chr11-47353444-G-A.
Identifiers: ClinVar variation 880111 (VCV000880111.10), dbSNP rs764320767, ClinGen allele CA079575.
Genomic context (GRCh38, chr11:47,331,893, plus strand): 5'-GGTGGTACATACCTGGCCATCCCCAGGAGCCAGCCTGGTCACTGAGGCACTGCAGAAGAG[G>A]AGGCCATGTCACTGTGTCCTCCCAGCCTTCTGGAAGCTATTGCCCATCTGGGCGTGGCAG-3'